The following is an entry in ClinVar:

NM_002471.4(MYH6):c.4833C>T (p.Asn1611=)

Genes: MYH6 (myosin heavy chain 6; minus strand), LOC126861896 (BRD4-independent group 4 enhancer GRCh37_chr14:23854904-23856103; plus strand). Cytogenetic location: 14q11.2.
Variant type: single nucleotide variant.
Coding change: c.4833C>T on transcript NM_002471.4 (MANE Select); coding-DNA position 4833, C replaced by T.
Protein change: p.Asn1611=; no amino-acid change (asparagine 1611 retained).
Molecular consequence: synonymous variant.
Genome position (GRCh38, 1-based): chr14:23,386,441, G>A on the plus strand (C>T on the coding strand, the complement: MYH6 is on the minus strand). VCF-style: chr14-23386441-G-A. GRCh37 (hg19) VCF-style: chr14-23855650-G-A.
Identifiers: ClinVar variation 470545 (VCV000470545.23), dbSNP rs139329956, ClinGen allele CA7114628.

ClinVar aggregate classification (germline): Likely benign. Review status: criteria provided, multiple submitters, no conflicts (2 of 4 stars). 8 submissions from 8 submitters: Likely benign (5). 3 of the submissions do not count toward it. Last evaluated 2025-12-16.

Conditions:
Cardiovascular phenotype. Identifiers: MedGen CN230736.
Dilated cardiomyopathy 1EE (CMD1EE). Identifiers: Orphanet 154, MedGen C2750466, MONDO:0013198, OMIM 613252.
Hypertrophic cardiomyopathy 14. Identifiers: MedGen C2750467, MONDO:0013197, OMIM 613251.
Sick sinus syndrome 3, susceptibility to (SSS3). Identifiers: Orphanet 166282, MedGen C3279791, MONDO:0013568, OMIM 614090.
Hypertrophic cardiomyopathy 1 (CMH1). Also called: MYH7-Related Familial Hypertrophic Cardiomyopathy; Familial hypertrophic cardiomyopathy 1. Identifiers: MedGen C3495498, MONDO:0008647, OMIM 192600.
Atrial septal defect 3 (ASD3). Identifiers: Orphanet 1478, MedGen C3279790, MONDO:0013567, OMIM 614089.
MYH6-related disorder. Also called: MYH6-Related Disorders; MYH6-related condition.

Allele frequency attached by ClinVar (database versions not stated): gnomAD exomes 0.00006 and 0.00008; TOPMed 0.00007; ExAC 0.00008; gnomAD 0.00008 and 0.00009; ESP Exome Variant Server 0.00015.
gnomAD v4.1: 102 of 1,614,072 alleles (0.0063%); highest among the groups gnomAD compares: Middle Eastern, 0.033%; no homozygotes.

Submissions (8):

Labcorp Genetics (formerly Invitae), Labcorp
Classification: Likely benign for Hypertrophic cardiomyopathy 14. Last evaluated: 2025-12-16. Review status: criteria provided, single submitter. Criteria: Invitae Variant Classification Sherloc (09022015). Collection method: clinical testing. Allele origin: germline.

Blueprint Genetics
Classification: Likely benign. Last evaluated: 2024-05-30. Review status: criteria provided, single submitter. Criteria: ACMG Guidelines, 2015. Collection method: clinical testing. Allele origin: germline.

Fulgent Genetics
Classification: Likely benign for Hypertrophic cardiomyopathy 1; Hypertrophic cardiomyopathy 14; Dilated cardiomyopathy 1EE; Atrial septal defect 3; Sick sinus syndrome 3, susceptibility to. Last evaluated: 2021-12-13. Review status: criteria provided, single submitter. Criteria: ACMG Guidelines, 2015. Collection method: clinical testing. Allele origin: unknown.

GeneDx
Classification: Likely benign. Last evaluated: 2018-11-23. Review status: criteria provided, single submitter. Criteria: GeneDx Variant Classification Process June 2021. Collection method: clinical testing. Allele origin: germline. Affected: yes.

Ambry Genetics
Classification: Likely benign for Cardiovascular phenotype. Last evaluated: 2017-12-12. Review status: criteria provided, single submitter. Criteria: Ambry Variant Classification Scheme 2023. Collection method: clinical testing. Allele origin: germline.

PreventionGenetics, part of Exact Sciences
Classification: Likely benign for MYH6-related condition. Last evaluated: 2019-03-25. Review status: no assertion criteria provided. Collection method: clinical testing. Allele origin: germline. Not counted in ClinVar's aggregate classification.
Comment: This variant is classified as likely benign based on ACMG/AMP sequence variant interpretation guidelines (Richards et al. 2015 PMID: 25741868, with internal and published modifications).

Clinical Genetics DNA and cytogenetics Diagnostics Lab, Erasmus MC, Erasmus Medical Center
Classification: Likely benign. Review status: no assertion criteria provided. Collection method: clinical testing. Allele origin: germline. Affected: yes. Study: VKGL Data-share Consensus. Not counted in ClinVar's aggregate classification.

Genome Diagnostics Laboratory, University Medical Center Utrecht
Classification: Likely benign. Review status: no assertion criteria provided. Collection method: clinical testing. Allele origin: germline. Affected: yes. Study: VKGL Data-share Consensus. Not counted in ClinVar's aggregate classification.